The following is an entry in ClinVar:

ClinVar aggregate classification (germline): Likely benign. Review status: criteria provided, multiple submitters, no conflicts (2 of 4 stars). 3 submissions from 3 submitters: Likely benign (2). 1 of the submissions does not count toward it. Last evaluated 2025-08-30.

Conditions:
LRP2-related disorder. Also called: LRP2-related condition.

Allele frequency attached by ClinVar (database versions not stated): gnomAD 0.00001; gnomAD exomes 0.00008; ExAC 0.00009.
gnomAD v4.1: 96 of 1,613,960 alleles (0.0059%); highest among the groups gnomAD compares: South Asian, 0.091%; no homozygotes.

Submissions (3):

Labcorp Genetics (formerly Invitae), Labcorp
Classification: Likely benign. Last evaluated: 2025-08-30. Review status: criteria provided, single submitter. Criteria: Invitae Variant Classification Sherloc (09022015). Collection method: clinical testing. Allele origin: germline.

Blueprint Genetics
Classification: Likely benign. Last evaluated: 2024-10-25. Review status: criteria provided, single submitter. Criteria: ACMG Guidelines, 2015. Collection method: clinical testing. Allele origin: germline.

PreventionGenetics, part of Exact Sciences
Classification: Likely benign for LRP2-related condition. Last evaluated: 2024-04-08. Review status: no assertion criteria provided. Collection method: clinical testing. Allele origin: germline. Not counted in ClinVar's aggregate classification.
Comment: This variant is classified as likely benign based on ACMG/AMP sequence variant interpretation guidelines (Richards et al. 2015 PMID: 25741868, with internal and published modifications).

NM_004525.3(LRP2):c.3606C>T (p.Gly1202=)

Gene: LRP2 (LDL receptor related protein 2; minus strand). Cytogenetic location: 2q31.1.
Variant type: single nucleotide variant.
Coding change: c.3606C>T on transcript NM_004525.3 (MANE Select); coding-DNA position 3606, C replaced by T.
Protein change: p.Gly1202=; no amino-acid change (glycine 1202 retained).
Molecular consequence: synonymous variant.
Genome position (GRCh38, 1-based): chr2:169,243,017, G>A on the plus strand (C>T on the coding strand, the complement: LRP2 is on the minus strand). VCF-style: chr2-169243017-G-A. GRCh37 (hg19) VCF-style: chr2-170099527-G-A.
Other names: c.3606C>T (NM_004525.2).
Identifiers: ClinVar variation 1633877 (VCV001633877.10), dbSNP rs759833611, ClinGen allele CA1954990.